The following is an entry in ClinVar:

ClinVar aggregate classification (germline): Likely benign (0 of 4 stars; one submission).

Conditions:
VCAN-related disorder. Also called: VCAN-related condition.

gnomAD v4.1: 1 of 1,614,070 alleles (0.000062%); highest among the groups gnomAD compares: Non-Finnish European, 0.000085%; no homozygotes.

Submission:

PreventionGenetics, part of Exact Sciences
Classification: Likely benign for VCAN-related condition. Last evaluated: 2024-08-15. Review status: no assertion criteria provided. Collection method: clinical testing. Allele origin: germline.
Comment: This variant is classified as likely benign based on ACMG/AMP sequence variant interpretation guidelines (Richards et al. 2015 PMID: 25741868, with internal and published modifications).

NM_004385.5(VCAN):c.3210A>G (p.Gly1070=)

Gene: VCAN (versican; plus strand). Cytogenetic location: 5q14.3.
Variant type: single nucleotide variant.
Coding change: c.3210A>G on transcript NM_004385.5 (MANE Select); coding-DNA position 3210, A replaced by G.
Protein change: p.Gly1070=; no amino-acid change (glycine 1070 retained).
Molecular consequence: synonymous variant. On other transcripts: intron variant (2).
Genome position (GRCh38, 1-based): chr5:83,521,516, A>G. VCF-style: chr5-83521516-A-G. GRCh37 (hg19) VCF-style: chr5-82817335-A-G.
Other names: c.3210A>G, p.Gly1070= (NM_001164098.2); c.1042+9120A>G (NM_001164097.2, NM_001126336.3).
Identifiers: ClinVar variation 3356265 (VCV003356265.1).
Genomic context (GRCh38, chr5:83,521,516, plus strand): 5'-TTCTACAGCTTGGACTCCCAAGGAGGCAGTAACACCACTGGATGAACAAGAGGGCGATGG[A>G]TCAGCATATACAGTCTCTGAAGATGAATTGTTGACAGGTTCTGAGAGGGTCCCAGTTTTA-3'
Protein context (NP_004376.2, residues 1060-1080): VTPLDEQEGD[Gly1070=]SAYTVSEDEL